The following is an entry in ClinVar:

NM_001349206.2(LPIN1):c.2219G>A (p.Gly740Asp)

Gene: LPIN1 (lipin 1; plus strand). Cytogenetic location: 2p25.1.
Variant type: single nucleotide variant.
Coding change: c.2219G>A on transcript NM_001349206.2 (MANE Select); coding-DNA position 2219, G replaced by A.
Protein change: p.Gly740Asp; replaces glycine 740 with aspartic acid.
Molecular consequence: missense variant. On other transcripts: non-coding transcript variant (1).
Genome position (GRCh38, 1-based): chr2:11,805,126, G>A. VCF-style: chr2-11805126-G-A. GRCh37 (hg19) VCF-style: chr2-11945252-G-A.
Other names: c.2129G>A, p.Gly710Asp (NM_001261427.3); c.2366G>A, p.Gly789Asp (NM_001261428.3); c.2111G>A, p.Gly704Asp (NM_001349199.2, NM_145693.4); c.2189G>A, p.Gly730Asp (NM_001349200.2, NM_001349201.2); c.2216G>A, p.Gly739Asp (NM_001349202.2, NM_001349203.2); c.2219G>A, p.Gly740Asp (NM_001349204.2, NM_001349205.2); c.2309G>A, p.Gly770Asp (NM_001349207.2); c.2258G>A, p.Gly753Asp (NM_001349208.2); short protein forms G704D, G740D, G770D, G789D, G739D, G710D, G730D, G753D.
Identifiers: ClinVar variation 973297 (VCV000973297.4), dbSNP rs369135035, ClinGen allele CA1534030.

ClinVar aggregate classification (germline): Uncertain significance (1 of 4 stars; one submission).

Conditions:
Myoglobinuria, acute recurrent, autosomal recessive. Also called: Myoglobinuria, recurrent, autosomal recessive; MYOGLOBINURIA, FAMILIAL PAROXYSMAL PARALYTIC; RHABDOMYOLYSIS, ACUTE RECURRENT. Identifiers: Orphanet 99845, MedGen C1849386, MONDO:0009992, OMIM 268200.

Allele frequency attached by ClinVar (database versions not stated): ESP Exome Variant Server 0.00008; gnomAD exomes 0.00008; ExAC 0.00011.
gnomAD v4.1: 99 of 1,613,870 alleles (0.0061%); highest among the groups gnomAD compares: Admixed American, 0.01%; no homozygotes.

Submission:

Illumina Laboratory Services, Illumina
Classification: Uncertain significance for Myoglobinuria, acute recurrent, autosomal recessive. Last evaluated: 2020-03-11. Review status: criteria provided, single submitter. Criteria: ICSLVariantClassificationCriteria RUGD 01 April 2020. Collection method: clinical testing. Allele origin: unknown.
Comment: The LPIN1 c.2366G>A (p.Gly789Asp) variant is a missense variant. A literature search was performed for the gene, cDNA change, and amino acid change. No publications were found based on this search. This variant is reported at a frequency of 0.000149 in the European (non-Finnish) population of the Genome Aggregation Database. Based on the limited evidence, the p.Gly789Asp variant is classified as a variant of unknown significance for acute recurrent myoglobinuria.